The following is an entry in ClinVar:

NM_002485.5(NBN):c.1826C>G (p.Pro609Arg)

Gene: NBN (nibrin; minus strand). Cytogenetic location: 8q21.3.
Variant type: single nucleotide variant.
Coding change: c.1826C>G on transcript NM_002485.5 (MANE Select); coding-DNA position 1826, C replaced by G.
Protein change: p.Pro609Arg; replaces proline 609 with arginine.
Molecular consequence: missense variant.
Genome position (GRCh38, 1-based): chr8:89,953,263, G>C on the plus strand (C>G on the coding strand, the complement: NBN is on the minus strand). VCF-style: chr8-89953263-G-C. GRCh37 (hg19) VCF-style: chr8-90965491-G-C.
Other names: c.1580C>G, p.Pro527Arg (NM_001024688.3, NM_001440379.1, NM_001440380.1); short protein forms P527R, P609R.
Identifiers: ClinVar variation 5025419 (VCV005025419.1).

ClinVar aggregate classification (germline): Uncertain significance (1 of 4 stars; one submission).

Conditions:
Hereditary cancer-predisposing syndrome. Also called: Neoplastic Syndromes, Hereditary; Tumor predisposition; Hereditary neoplastic syndrome; Hereditary Cancer Syndrome. Identifiers: Orphanet 140162, MedGen C0027672, MeSH D009386, MONDO:0015356.

gnomAD v4.1: 1 of 1,610,996 alleles (0.000062%); no homozygotes.

Submission:

Ambry Genetics
Classification: Uncertain significance for Hereditary cancer-predisposing syndrome. Last evaluated: 2026-08-27. Review status: criteria provided, single submitter. Criteria: Ambry Variant Classification Scheme 2023. Collection method: clinical testing. Allele origin: germline.
Comment: The p.P609R variant (also known as c.1826C>G), located in coding exon 11 of the NBN gene, results from a C to G substitution at nucleotide position 1826. The proline at codon 609 is replaced by arginine, an amino acid with dissimilar properties. This amino acid position is conserved. In addition, this alteration is predicted to be tolerated by in silico analysis. Based on the available evidence, the clinical significance of this variant remains unclear.